The following is an entry in ClinVar:

ClinVar aggregate classification (germline): Uncertain significance. Review status: criteria provided, multiple submitters, no conflicts (2 of 4 stars). 2 submissions from 2 submitters: Uncertain significance (2). Last evaluated 2024-11-18.

Conditions:
Neuronal ceroid lipofuscinosis. Also called: Neuronal Ceroid Lipofuscinoses. Identifiers: Orphanet 216, Orphanet 79263, MedGen C0027877, MONDO:0016295. Disease mechanism: loss of function.

Allele frequency attached by ClinVar (database versions not stated): gnomAD exomes below 0.00001; TOPMed 0.00001.
gnomAD v4.1: 17 of 1,613,816 alleles (0.0011%); highest among the groups gnomAD compares: Non-Finnish European, 0.0014%; no homozygotes.

Submissions (2):

Labcorp Genetics (formerly Invitae), Labcorp
Classification: Uncertain significance for Neuronal ceroid lipofuscinosis. Last evaluated: 2024-11-18. Review status: criteria provided, single submitter. Criteria: Invitae Variant Classification Sherloc (09022015). Collection method: clinical testing. Allele origin: germline.
Comment: This sequence change replaces phenylalanine, which is neutral and non-polar, with valine, which is neutral and non-polar, at codon 236 of the CLN6 protein (p.Phe236Val). This variant is present in population databases (rs796052358, gnomAD 0.0009%). This variant has not been reported in the literature in individuals affected with CLN6-related conditions. ClinVar contains an entry for this variant (Variation ID: 205173). Invitae Evidence Modeling of protein sequence and biophysical properties (such as structural, functional, and spatial information, amino acid conservation, physicochemical variation, residue mobility, and thermodynamic stability) indicates that this missense variant is not expected to disrupt CLN6 protein function with a negative predictive value of 80%. In summary, the available evidence is currently insufficient to determine the role of this variant in disease. Therefore, it has been classified as a Variant of Uncertain Significance.

GeneDx
Classification: Uncertain significance. Last evaluated: 2013-10-16. Review status: criteria provided, single submitter. Criteria: GeneDx Variant Classification (06012015). Collection method: clinical testing. Allele origin: germline. Affected: yes.
Comment: p.Phe236Val (TTC>GTC): c.706 T>G in exon 7 of the CLN6 gene (NM_017882.2). The Phe236Val missense change has not been published as a mutation, nor has it been reported as a benign polymorphism to our knowledge. It was not observed in approximately 6,500 individuals of European and African American ancestry in the NHLBI Exome Sequencing Project, indicating it is not a common benign variant in these populations. This variant is a conservative substitution of one uncharged, non-polar amino acid for another; however, it alters a conserved position in the sixth transmembrane domain, and other missense mutations associated with neuronal ceroid lipofuscinosis have been reported in this region of the protein (Phe234Leu and Met241Thr). In silico analysis predicts this variant is probably damaging to the protein structure/function. Therefore, based on the currently available information, it is unclear whether Phe236Val is a disease-causing mutation or a rare benign variant. The variant is found in EPILEPSY panel(s).

NM_017882.3(CLN6):c.706T>G (p.Phe236Val)

Gene: CLN6 (CLN6 transmembrane ER protein; minus strand). Cytogenetic location: 15q23.
Variant type: single nucleotide variant.
Coding change: c.706T>G on transcript NM_017882.3 (MANE Select); coding-DNA position 706, T replaced by G.
Protein change: p.Phe236Val; replaces phenylalanine 236 with valine.
Molecular consequence: missense variant.
Genome position (GRCh38, 1-based): chr15:68,208,370, A>C on the plus strand (T>G on the coding strand, the complement: CLN6 is on the minus strand). VCF-style: chr15-68208370-A-C. GRCh37 (hg19) VCF-style: chr15-68500708-A-C.
Other names: p.F236V:TTC>GTC; short protein forms F236V.
Identifiers: ClinVar variation 205173 (VCV000205173.8), dbSNP rs796052358, ClinGen allele CA313974.